The following is an entry in ClinVar:

NM_000492.4(CFTR):c.3718-24_3873+601del

Genes: CFTR (CF transmembrane conductance regulator; plus strand), CFTR-AS2 (CFTR antisense RNA 2; minus strand), LOC111674467 (CFTR intron 20 enhancer; plus strand). Cytogenetic location: 7q31.2.
Variant type: Deletion.
Coding change: c.3718-24_3873+601del on transcript NM_000492.4 (MANE Select); 24 bases into the intron before coding-DNA position 3718 through 601 bases into the intron after coding-DNA position 3873, 781 bases deleted.
Molecular consequence: splice acceptor variant, splice donor variant.
Genome position (GRCh38, 1-based): chr7:117,642,414-117,643,194, 781 bases deleted. GRCh37 (hg19): chr7:117,282,468-117,283,248.
Other names: CFTRdele20/IVS19-24_IVS20_x000D_ + 601del781; c.3718-24_3873+601del781 (NM_000492.3).
Identifiers: ClinVar variation 53792 (VCV000053792.2), dbSNP rs1554395323, ClinGen allele CA327259.

ClinVar aggregate classification (germline): Likely pathogenic. Review status: criteria provided, single submitter (1 of 4 stars). 2 submissions from 2 submitters: Likely pathogenic (1). 1 of the submissions does not count toward it. Last evaluated 2022-09-05.

Conditions:
Cystic fibrosis (CF). Also called: MUCOVISCIDOSIS. Identifiers: Orphanet 586, MedGen C0010674, MONDO:0009061, OMIM 219700. Disease mechanism: loss of function.

Submissions (2):

Institute of Human Genetics, University of Leipzig Medical Center
Classification: Likely pathogenic for Cystic fibrosis. Last evaluated: 2022-09-05. Review status: criteria provided, single submitter. Criteria: ACMG Guidelines, 2015. Collection method: curation. Allele origin: unknown. Affected: yes. Observed: 3 variant alleles.
Comment: This variant was identified in 3 unrelated patients with a clinically confirmed diagnosis of cystic fibrosis. The variant was classified in the context of a project re-classifying variants in the German Cystic Fibrosis Registry (Muko.e.V.). Criteria applied: PVS1_STR, PM2_SUP, PM3, PP4

ClinVar Staff, National Center for Biotechnology Information (NCBI)
No classification provided. Condition: CFTR-related disorders. Review status: no classification provided. Collection method: literature only. Allele origin: germline. Affected: yes. Not counted in ClinVar's aggregate classification.

Literature cited by the submitters: PubMed 20560922 (cited by ClinVar Staff, National Center for Biotechnology Information (NCBI)).